The following is an entry in ClinVar:

NM_017827.4(SARS2):c.1530_1538dup (p.Leu511_Gly513dup)

Gene: SARS2 (seryl-tRNA synthetase 2, mitochondrial; minus strand). Cytogenetic location: 19q13.2.
Variant type: Duplication.
Coding change: c.1530_1538dup on transcript NM_017827.4 (MANE Select); coding-DNA positions 1530 to 1538, 9 bases duplicated (GCTGCCTGG; older notation c.1530_1538dupGCTGCCTGG).
Protein change: p.Leu511_Gly513dup.
Molecular consequence: inframe insertion.
Genome position (GRCh38, 1-based): chr19:38,915,625-38,915,633, CCAGGCAGC duplicated on the plus strand (GCTGCCTGG on the coding strand, the reverse complement: SARS2 is on the minus strand); duplicating any 9 consecutive bases within chr19:38,915,625-38,915,639 gives the same sequence; the c. name uses the placement nearest the transcript's 3' end. VCF-style (leftmost placement, unchanged base first): chr19-38915624-G-GCCAGGCAGC. GRCh37 (hg19) VCF-style: chr19-39406264-G-GCCAGGCAGC.
Other names: c.1536_1544dup, p.Leu513_Gly515dup (NM_001145901.2); c.1530_1538dupGCTGCCTGG (NM_017827.3).
Identifiers: ClinVar variation 215115 (VCV000215115.28), dbSNP rs551671819, ClinGen allele CA324702.
Genomic context (GRCh38, chr19:38,915,624, plus strand): 5'-CAGGAAGCAGTGACACCCCCGAGGGCTGCTGTGGGTGGGTTCTTAGCTTACAGCAGGCTG[G>GCCAGGCAGC]CCAGGCAGCCCAGGCTTCCGGGGCTGGTTGGGGCCGATGTACTGGAGAGGCACGTGGGTA-3'

ClinVar aggregate classification (germline): Benign/Likely benign. Review status: criteria provided, multiple submitters, no conflicts (2 of 4 stars). 7 submissions from 7 submitters: Benign (2); Likely benign (1). 4 of the submissions do not count toward it. Last evaluated 2026-09-01.

Conditions:
SARS2-related disorder. Also called: SARS2-related condition.

Submissions (7):

CeGaT Center for Human Genetics Tuebingen
Classification: Likely benign. Last evaluated: 2026-09-01. Review status: criteria provided, single submitter. Criteria: CeGaT Center For Human Genetics Tuebingen Variant Classification Criteria Version 2. Collection method: clinical testing. Allele origin: germline. Affected: yes. Observed: 6 variant alleles.
Comment: SARS2: PM4, BS2

Labcorp Genetics (formerly Invitae), Labcorp
Classification: Benign. Last evaluated: 2026-01-27. Review status: criteria provided, single submitter. Criteria: Invitae Variant Classification Sherloc (09022015). Collection method: clinical testing. Allele origin: germline.

GeneDx
Classification: Benign. Last evaluated: 2021-02-22. Review status: criteria provided, single submitter. Criteria: GeneDx Variant Classification Process June 2021. Collection method: clinical testing. Allele origin: germline. Affected: yes.

PreventionGenetics, part of Exact Sciences
Classification: Likely benign for SARS2-related condition. Last evaluated: 2019-02-20. Review status: no assertion criteria provided. Collection method: clinical testing. Allele origin: germline. Not counted in ClinVar's aggregate classification.
Comment: This variant is classified as likely benign based on ACMG/AMP sequence variant interpretation guidelines (Richards et al. 2015 PMID: 25741868, with internal and published modifications).

Mayo Clinic Laboratories, Mayo Clinic
Classification: Uncertain significance. Last evaluated: 2016-03-02. Review status: no assertion criteria provided. Collection method: clinical testing. Allele origin: unknown. Not counted in ClinVar's aggregate classification.

Clinical Genetics DNA and cytogenetics Diagnostics Lab, Erasmus MC, Erasmus Medical Center
Classification: Likely benign. Review status: no assertion criteria provided. Collection method: clinical testing. Allele origin: germline. Affected: yes. Study: VKGL Data-share Consensus. Not counted in ClinVar's aggregate classification.

Genome Diagnostics Laboratory, University Medical Center Utrecht
Classification: Benign. Review status: no assertion criteria provided. Collection method: clinical testing. Allele origin: germline. Affected: yes. Study: VKGL Data-share Consensus. Not counted in ClinVar's aggregate classification.